The following is an entry in ClinVar:

ClinVar aggregate classification (germline): Pathogenic/Likely pathogenic. Review status: criteria provided, multiple submitters, no conflicts (2 of 4 stars). 2 submissions from 2 submitters: Pathogenic (1); Likely pathogenic (1). Last evaluated 2025-02-08.

Conditions:
Leber congenital amaurosis 13 (LCA13). Identifiers: MedGen C2675186, MONDO:0012990, OMIM 612712.

Submissions (2):

Labcorp Genetics (formerly Invitae), Labcorp
Classification: Pathogenic for Leber congenital amaurosis 13. Last evaluated: 2025-02-08. Review status: criteria provided, single submitter. Criteria: Invitae Variant Classification Sherloc (09022015). Collection method: clinical testing. Allele origin: germline.
Comment: This sequence change creates a premature translational stop signal (p.Lys163Argfs*115) in the RDH12 gene. While this is not anticipated to result in nonsense mediated decay, it is expected to disrupt the last 154 amino acid(s) of the RDH12 protein. This variant is not present in population databases (gnomAD no frequency). This variant has not been reported in the literature in individuals affected with RDH12-related conditions. ClinVar contains an entry for this variant (Variation ID: 970561). This variant disrupts a region of the RDH12 protein in which other variant(s) (p.Arg295*) have been determined to be pathogenic (PMID: 16269441, 22065924, 26047050, 28559085). This suggests that this is a clinically significant region of the protein, and that variants that disrupt it are likely to be disease-causing. For these reasons, this variant has been classified as Pathogenic.

Baylor Genetics
Classification: Likely pathogenic for Leber congenital amaurosis 13. Last evaluated: 2023-06-11. Review status: criteria provided, single submitter. Criteria: ACMG Guidelines, 2015. Collection method: clinical testing. Allele origin: unknown.

Literature cited by the submitters: PubMed 16269441 (cited by Labcorp Genetics (formerly Invitae), Labcorp); PubMed 22065924 (cited by Labcorp Genetics (formerly Invitae), Labcorp); PubMed 26047050 (cited by Labcorp Genetics (formerly Invitae), Labcorp); PubMed 28559085 (cited by Labcorp Genetics (formerly Invitae), Labcorp).

NM_152443.3(RDH12):c.488del (p.Lys163fs)

Genes: GPHN (gephyrin; plus strand), RDH12 (retinol dehydrogenase 12; plus strand). Cytogenetic location: 14q24.1.
Variant type: Deletion.
Coding change: c.488del on transcript NM_152443.3 (MANE Select); coding-DNA position 488, one base deleted (A; older notation c.488delA).
Protein change: p.Lys163fs; shifts the reading frame from lysine 163.
Molecular consequence: frameshift variant.
Genome position (GRCh38, 1-based): chr14:67,727,020, A deleted; the last of 3 consecutive A bases (chr14:67,727,018-67,727,020); deleting any one gives the same sequence. VCF-style (leftmost placement, unchanged base first): chr14-67727017-TA-T. GRCh37 (hg19) VCF-style: chr14-68193734-TA-T.
Other names: short protein forms K163fs.
Identifiers: ClinVar variation 970561 (VCV000970561.11), dbSNP rs2038193754, ClinGen allele CA1139663516.